The following is an entry in ClinVar:

NM_015335.5(MED13L):c.4654G>A (p.Gly1552Arg)

Gene: MED13L (mediator complex subunit 13L; minus strand). Cytogenetic location: 12q24.21.
Variant type: single nucleotide variant.
Coding change: c.4654G>A on transcript NM_015335.5 (MANE Select); coding-DNA position 4654, G replaced by A.
Protein change: p.Gly1552Arg; replaces glycine 1552 with arginine.
Molecular consequence: missense variant.
Genome position (GRCh38, 1-based): chr12:115,983,418, C>T on the plus strand (G>A on the coding strand, the complement: MED13L is on the minus strand). VCF-style: chr12-115983418-C-T. GRCh37 (hg19) VCF-style: chr12-116421223-C-T.
Other names: short protein forms G1552R.
Identifiers: ClinVar variation 5017703 (VCV005017703.1).

ClinVar aggregate classification (germline): Uncertain significance (1 of 4 stars; one submission).

Submission:

GeneDx
Classification: Uncertain significance. Last evaluated: 2026-03-26. Review status: criteria provided, single submitter. Criteria: GeneDx Variant Classification Process June 2021. Collection method: clinical testing. Allele origin: germline.
Comment: Not observed at significant frequency in large population cohorts (gnomAD); In silico analysis suggests that this missense variant does not alter protein structure/function; Has not been previously published as pathogenic or benign to our knowledge